The following is an entry in ClinVar:

ClinVar aggregate classification (germline): Uncertain significance. Review status: criteria provided, multiple submitters, no conflicts (2 of 4 stars). 2 submissions from 2 submitters: Uncertain significance (2). Last evaluated 2025-03-22.

Conditions:
Lipodystrophy, partial, acquired, susceptibility to (APLD). Also called: APLD, SUSCEPTIBILITY TO. Identifiers: MedGen C3887501, MONDO:0100476, OMIM 608709.
Progressive myoclonic epilepsy type 9. Identifiers: Orphanet 457265, MedGen C4225289, MONDO:0014685, OMIM 616540.

Allele frequency attached by ClinVar (database versions not stated): ExAC 0.00001; gnomAD exomes 0.00001 and 0.00003; gnomAD 0.00002; TOPMed 0.00002.

Submissions (2):

Ambry Genetics
Classification: Uncertain significance. Last evaluated: 2025-03-22. Review status: criteria provided, single submitter. Criteria: Ambry Variant Classification Scheme 2023. Collection method: clinical testing. Allele origin: germline.

Labcorp Genetics (formerly Invitae), Labcorp
Classification: Uncertain significance for Progressive myoclonic epilepsy type 9; Lipodystrophy, partial, acquired, susceptibility to. Last evaluated: 2024-10-17. Review status: criteria provided, single submitter. Criteria: Invitae Variant Classification Sherloc (09022015). Collection method: clinical testing. Allele origin: germline.
Comment: This sequence change replaces lysine, which is basic and polar, with glutamic acid, which is acidic and polar, at codon 308 of the LMNB2 protein (p.Lys308Glu). This variant is present in population databases (rs758385743, gnomAD 0.004%). This variant has not been reported in the literature in individuals affected with LMNB2-related conditions. ClinVar contains an entry for this variant (Variation ID: 1503753). Invitae Evidence Modeling of protein sequence and biophysical properties (such as structural, functional, and spatial information, amino acid conservation, physicochemical variation, residue mobility, and thermodynamic stability) indicates that this missense variant is not expected to disrupt LMNB2 protein function with a negative predictive value of 80%. In summary, the available evidence is currently insufficient to determine the role of this variant in disease. Therefore, it has been classified as a Variant of Uncertain Significance.

NM_032737.4(LMNB2):c.922A>G (p.Lys308Glu)

Gene: LMNB2 (lamin B2; minus strand). Cytogenetic location: 19p13.3.
Variant type: single nucleotide variant.
Coding change: c.922A>G on transcript NM_032737.4 (MANE Select); coding-DNA position 922, A replaced by G.
Protein change: p.Lys308Glu; replaces lysine 308 with glutamic acid.
Molecular consequence: missense variant.
Genome position (GRCh38, 1-based): chr19:2,434,847, T>C on the plus strand (A>G on the coding strand, the complement: LMNB2 is on the minus strand). VCF-style: chr19-2434847-T-C. GRCh37 (hg19) VCF-style: chr19-2434845-T-C.
Other names: c.862A>G (NM_032737.2); short protein forms K308E.
Identifiers: ClinVar variation 1503753 (VCV001503753.7), dbSNP rs758385743, ClinGen allele CA9067678.
Genomic context (GRCh38, chr19:2,434,847, plus strand): 5'-CCTGCTTCTGGAGGCCGGAGAGCTGGTAGCTGAGGGACTCCAGGCGCATGCGGGCCTCCT[T>C]CAGCTCCTCGCGAGCCGCACTGGCCGCCTTGTCGTTCTGGTCAGAGCTCAGCTTGGCGCT-3'
Protein context (NP_116126.3, residues 298-318): KAASAAREEL[Lys308Glu]EARMRLESLS